The following is an entry in ClinVar:

ClinVar aggregate classification (germline): Conflicting classifications of pathogenicity. Review status: criteria provided, conflicting classifications (1 of 4 stars). 2 submissions from 2 submitters: Uncertain significance (1); Likely benign (1). Last evaluated 2024-04-08.

Allele frequency attached by ClinVar (database versions not stated): gnomAD exomes 0.00001; TOPMed 0.00001; gnomAD 0.00002.
gnomAD v4.1: 7 of 1,594,466 alleles (0.00044%); highest among the groups gnomAD compares: Non-Finnish European, 0.00051%; no homozygotes.

Submissions (2):

Blueprint Genetics
Classification: Likely benign. Last evaluated: 2024-04-08. Review status: criteria provided, single submitter. Criteria: ACMG Guidelines, 2015. Collection method: clinical testing. Allele origin: germline.

Labcorp Genetics (formerly Invitae), Labcorp
Classification: Uncertain significance. Last evaluated: 2022-04-25. Review status: criteria provided, single submitter. Criteria: Invitae Variant Classification Sherloc (09022015). Collection method: clinical testing. Allele origin: germline.
Comment: This sequence change falls in intron 1 of the PCLO gene. It does not directly change the encoded amino acid sequence of the PCLO protein. It affects a nucleotide within the consensus splice site. This variant is not present in population databases (gnomAD no frequency). This variant has not been reported in the literature in individuals affected with PCLO-related conditions. Variants that disrupt the consensus splice site are a relatively common cause of aberrant splicing (PMID: 17576681, 9536098). Algorithms developed to predict the effect of sequence changes on RNA splicing suggest that this variant may disrupt the consensus splice site. In summary, the available evidence is currently insufficient to determine the role of this variant in disease. Therefore, it has been classified as a Variant of Uncertain Significance.

Literature cited by the submitters: PubMed 17576681 (cited by Labcorp Genetics (formerly Invitae), Labcorp); PubMed 9536098 (cited by Labcorp Genetics (formerly Invitae), Labcorp).

NM_033026.6(PCLO):c.248+6C>T

Gene: PCLO (piccolo presynaptic cytomatrix protein; minus strand). Cytogenetic location: 7q21.11.
Variant type: single nucleotide variant.
Coding change: c.248+6C>T on transcript NM_033026.6 (MANE Select); 6 bases into the intron after coding-DNA position 248, C replaced by T.
Molecular consequence: intron variant.
Genome position (GRCh38, 1-based): chr7:83,162,339, G>A on the plus strand (C>T on the coding strand, the complement: PCLO is on the minus strand). VCF-style: chr7-83162339-G-A. GRCh37 (hg19) VCF-style: chr7-82791655-G-A.
Other names: c.248+6C>T (NM_014510.3).
Identifiers: ClinVar variation 2191882 (VCV002191882.2), dbSNP rs769573306, ClinGen allele CA4321727.